The following is an entry in ClinVar:

NM_001297.5(CNGB1):c.1152G>T (p.Gln384His)

Gene: CNGB1 (cyclic nucleotide gated channel subunit beta 1; minus strand). Cytogenetic location: 16q21.
Variant type: single nucleotide variant.
Coding change: c.1152G>T on transcript NM_001297.5 (MANE Select); coding-DNA position 1152, G replaced by T.
Protein change: p.Gln384His; replaces glutamine 384 with histidine.
Molecular consequence: missense variant.
Genome position (GRCh38, 1-based): chr16:57,940,291, C>A on the plus strand (G>T on the coding strand, the complement: CNGB1 is on the minus strand). VCF-style: chr16-57940291-C-A. GRCh37 (hg19) VCF-style: chr16-57974195-C-A.
Other names: c.1134G>T, p.Gln378His (NM_001286130.2); short protein forms Q378H, Q384H.
Identifiers: ClinVar variation 3675648 (VCV003675648.3).

ClinVar aggregate classification (germline): Uncertain significance. Review status: criteria provided, multiple submitters, no conflicts (2 of 4 stars). 2 submissions from 2 submitters: Uncertain significance (2). Last evaluated 2024-11-12.

Submissions (2):

Labcorp Genetics (formerly Invitae), Labcorp
Classification: Uncertain significance. Last evaluated: 2024-11-12. Review status: criteria provided, single submitter. Criteria: Invitae Variant Classification Sherloc (09022015). Collection method: clinical testing. Allele origin: germline.
Comment: This sequence change replaces glutamine, which is neutral and polar, with histidine, which is basic and polar, at codon 384 of the CNGB1 protein (p.Gln384His). This variant is not present in population databases (gnomAD no frequency). This variant has not been reported in the literature in individuals affected with CNGB1-related conditions. Invitae Evidence Modeling of protein sequence and biophysical properties (such as structural, functional, and spatial information, amino acid conservation, physicochemical variation, residue mobility, and thermodynamic stability) indicates that this missense variant is not expected to disrupt CNGB1 protein function with a negative predictive value of 95%. In summary, the available evidence is currently insufficient to determine the role of this variant in disease. Therefore, it has been classified as a Variant of Uncertain Significance.

Blueprint Genetics
Classification: Uncertain significance. Last evaluated: 2023-02-28. Review status: criteria provided, single submitter. Criteria: ACMG Guidelines, 2015. Collection method: clinical testing. Allele origin: germline.